The following is an entry in ClinVar:

ClinVar aggregate classification (germline): Pathogenic. Review status: criteria provided, multiple submitters, no conflicts (2 of 4 stars). 20 submissions from 20 submitters: Pathogenic (17). 3 of the submissions do not count toward it. Last evaluated 2026-04-01.

Conditions:
ATP7B-related disorder. Also called: ATP7B-related condition.
Wilson disease (WND). Also called: Wilson's disease. Identifiers: Orphanet 905, MedGen C0019202, MONDO:0010200, OMIM 277900. Disease mechanism: loss of function.
Epileptic encephalopathy. Identifiers: MedGen C0543888, HP:0200134.

Allele frequency attached by ClinVar (database versions not stated): gnomAD 0.00002 and 0.00003; TOPMed 0.00002; ExAC 0.00003; gnomAD exomes 0.00005; 1000 Genomes Project 0.00020; 1000 Genomes Project 30x 0.00031.
gnomAD v4.1: 27 of 1,609,026 alleles (0.0017%); highest among the groups gnomAD compares: South Asian, 0.01%; no homozygotes.

Submissions 1 to 14 of 20:

CeGaT Center for Human Genetics Tuebingen
Classification: Pathogenic. Last evaluated: 2026-04-01. Review status: criteria provided, single submitter. Criteria: CeGaT Center For Human Genetics Tuebingen Variant Classification Criteria Version 2. Collection method: clinical testing. Allele origin: germline. Affected: yes. Observed: 3 variant alleles.
Comment: ATP7B: PM3:Very Strong, PM2, PM5, PP3, PP4

Natera, Inc.
Classification: Pathogenic for Wilson disease. Last evaluated: 2025-09-15. Review status: criteria provided, single submitter. Criteria: Natera Variant Classification Schema (03/2026). Collection method: clinical testing. Allele origin: germline.
Comment: The c.3007G>A variant in ATP7B is a missense variant predicted to cause substitution of alanine to threonine at amino acid 1003. This variant is rare in the general population with a frequency below the threshold expected for the associated phenotype(s). This variant has been observed in one or more individuals affected with the associated recessive disease, as either homozygous or compound heterozygous with a second variant (PMID: 26799313). Given the available evidence, this variant is classified as Pathogenic.

PreventionGenetics, part of Exact Sciences
Classification: Pathogenic for ATP7B-related condition. Last evaluated: 2025-09-03. Review status: criteria provided, single submitter. Criteria: ACMG Guidelines, 2015. Collection method: clinical testing. Allele origin: germline.
Comment: The ATP7B c.3007G>A variant is predicted to result in the amino acid substitution p.Ala1003Thr. This variant has been reported in the homozygous and compound heterozygous state in individuals with clinical and biochemical features consistent with Wilson disease (Ljubić et al. 2016. PubMed ID: 26799313, Loudianos et al. 2003. PubMed ID: 12885331; Ferenci. 2006. PubMed ID: 16791614; Møller et al. 2011. PubMed ID: 21610751; Tomic et al. 2013. PubMed ID: 23789284; Guggilla et al. 2015. PubMed ID: 25982861). Of note, another variant impacting the same amino acid (p.Ala1003Val) has also been reported as causative for Wilson disease (Loudianos et al. 1999. PubMed ID: 10544227; Guggilla et al. 2015. PubMed ID: 25982861). The c.3007G>A variant is reported in 0.0074% of alleles in individuals of European (Non-Finnish) descent in gnomAD. Taken together, this variant is interpreted as pathogenic.

Color Diagnostics, LLC DBA Color Health
Classification: Pathogenic for Wilson disease. Last evaluated: 2025-08-06. Review status: criteria provided, single submitter. Criteria: ACMG Guidelines, 2015. Collection method: clinical testing. Allele origin: germline.
Comment: This missense variant replaces alanine with threonine at codon 1003 of the ATP7B protein. Computational prediction suggests that this variant may have deleterious impact on protein structure and function. To our knowledge, functional studies have not been reported for this variant. This variant has been observed in many individuals affected with autosomal recessive Wilson disease and has been reported to segregate with disease in at least one family, indicating that this variant contributes to disease (PMID: 26799313, 25390358). This variant has been identified in 11/240334 chromosomes in the general population by the Genome Aggregation Database (gnomAD). A different variant occurring at the same codon, p.Ala1003Val, is a well documented pathogenic mutation (ClinVar Variation ID: 188781), indicating that alanine at this position is important for ATP7B protein function. Based on the available evidence, this variant is classified as Pathogenic.

Institute of Human Genetics, University of Leipzig Medical Center
Classification: Pathogenic for Wilson disease. Last evaluated: 2025-03-04. Review status: criteria provided, single submitter. Criteria: ACMG Guidelines, 2015. Collection method: clinical testing. Allele origin: unknown. Inheritance: Autosomal recessive inheritance. Affected: yes.
Comment: Criteria applied: PM5_STR,PM1,PM3,PM2_SUP,PP3

Labcorp Genetics (formerly Invitae), Labcorp
Classification: Pathogenic for Wilson disease. Last evaluated: 2024-10-23. Review status: criteria provided, single submitter. Criteria: Invitae Variant Classification Sherloc (09022015). Collection method: clinical testing. Allele origin: germline.
Comment: This sequence change replaces alanine, which is neutral and non-polar, with threonine, which is neutral and polar, at codon 1003 of the ATP7B protein (p.Ala1003Thr). This variant is present in population databases (rs201497300, gnomAD 0.007%). This missense change has been observed in individual(s) with Wilson disease (PMID: 2679931, 12885331, 16791614, 21610751, 23789284, 25390358, 26799313; internal data). It has also been observed to segregate with disease in related individuals. ClinVar contains an entry for this variant (Variation ID: 188802). Invitae Evidence Modeling of protein sequence and biophysical properties (such as structural, functional, and spatial information, amino acid conservation, physicochemical variation, residue mobility, and thermodynamic stability) indicates that this missense variant is expected to disrupt ATP7B protein function with a positive predictive value of 80%. For these reasons, this variant has been classified as Pathogenic.

Lildballe Lab, Aarhus University Hospital
Classification: Pathogenic for Wilson disease. Last evaluated: 2024-08-29. Review status: criteria provided, single submitter. Criteria: ACMG Guidelines, 2015. Collection method: clinical testing. Allele origin: germline. Affected: yes.
Comment: PP5, PM1. PM5, PP3, PM2

Blueprint Genetics
Classification: Pathogenic for ATP7B-related disorders. Last evaluated: 2024-04-10. Review status: criteria provided, single submitter. Criteria: ACMG Guidelines, 2015. Collection method: clinical testing. Allele origin: germline. Affected: yes. Observed: 5 variant alleles.

Fulgent Genetics
Classification: Pathogenic for Wilson disease. Last evaluated: 2024-02-20. Review status: criteria provided, single submitter. Criteria: ACMG Guidelines, 2015. Collection method: clinical testing. Allele origin: germline.

Mayo Clinic Laboratories, Mayo Clinic
Classification: Pathogenic. Last evaluated: 2024-02-05. Review status: criteria provided, single submitter. Criteria: ACMG Guidelines, 2015. Collection method: clinical testing. Allele origin: germline. Observed: 1 variant allele.
Comment: PP3, PP4, PM2, PM3_strong, PS4

Baylor Genetics
Classification: Pathogenic for Wilson disease. Last evaluated: 2024-01-05. Review status: criteria provided, single submitter. Criteria: ACMG Guidelines, 2015. Collection method: clinical testing. Allele origin: unknown.

All of Us Research Program, National Institutes of Health
Classification: Pathogenic for Wilson disease. Last evaluated: 2023-12-01. Review status: criteria provided, single submitter. Criteria: ACMG Guidelines, 2015. Collection method: clinical testing. Allele origin: germline. Inheritance: Autosomal recessive inheritance. Observed: 4 variant alleles, 4 heterozygotes.
Comment: This variant is present in 11/240334 total alleles in the Genome Aggregation Database. This variant was detected in multiple affected individuals as homozygous or as compound heterozygous (in trans) with a likely pathogenic or pathogenic variant, which is consistent with autosomal recessive inheritance (PMID: 9671269, 10790207, 11243728, 11690702, 12885331, 17433323, 24661374, 26799313, 27022412, 27398169, 30120852). This variant is predicted to be deleterious by in silico analysis. This prediction has not been confirmed by functional studies.

This study involves interpretation of variants in research participants for the purpose of population health screening. Participant phenotype was not available at the time of variant classification. Additional details can be found in publication PMID: 35346344, PMCID: PMC8962531

Genome-Nilou Lab
Classification: Pathogenic for Wilson disease. Last evaluated: 2021-08-10. Review status: criteria provided, single submitter. Criteria: ACMG Guidelines, 2015. Collection method: clinical testing. Allele origin: germline. Affected: no.

Laboratory for Molecular Medicine, Mass General Brigham Personalized Medicine
Classification: Pathogenic for Wilson disease. Last evaluated: 2020-06-11. Review status: criteria provided, single submitter. Criteria: ACMG Guidelines, 2015. Collection method: clinical testing. Allele origin: germline.
Comment: The p.Ala1003Thr variant in ATP7B has been reported in many individuals with Wilson disease, including at least 4 homozygotes and 12 compound heterozyotes, and it has segregated in 3 affected relatives (Aggarwal 2013, Butler 2001, Coffey 2013, Ferenci 2007, Kumar 2006, Ljubic 2016, Usta 2014). It has been identified in 8/108520 European chromosomes by gnomAD. Computational prediction tools and conservation analysis suggest that this variant may impact the protein. In summary, this variant meets criteria to be classified as pathogenic for autosomal recessive Wilson disease. ACMG/AMP criteria applied: PM3_VeryStrong, PP1_Strong, PM2_Supporting, PP3, PP4.

NM_000053.4(ATP7B):c.3007G>A (p.Ala1003Thr)

Gene: ATP7B (ATPase copper transporting beta; minus strand). Cytogenetic location: 13q14.3.
Variant type: single nucleotide variant.
Coding change: c.3007G>A on transcript NM_000053.4 (MANE Select); coding-DNA position 3007, G replaced by A.
Protein change: p.Ala1003Thr; replaces alanine 1003 with threonine.
Molecular consequence: missense variant.
Genome position (GRCh38, 1-based): chr13:51,946,337, C>T on the plus strand (G>A on the coding strand, the complement: ATP7B is on the minus strand). VCF-style: chr13-51946337-C-T. GRCh37 (hg19) VCF-style: chr13-52520473-C-T.
Other names: c.2386G>A, p.Ala796Thr (NM_001005918.3); c.2674G>A, p.Ala892Thr (NM_001243182.2); c.2773G>A, p.Ala925Thr (NM_001330578.2); c.2755G>A, p.Ala919Thr (NM_001330579.2); short protein forms A1003T, A796T, A925T, A919T, A892T.
Identifiers: ClinVar variation 188802 (VCV000188802.65), dbSNP rs201497300, ClinGen allele CA273980.